The following is an entry in ClinVar:

ClinVar aggregate classification (germline): Uncertain significance. Review status: criteria provided, multiple submitters, no conflicts (2 of 4 stars). 2 submissions from 2 submitters: Uncertain significance (2). Last evaluated 2025-10-07.

Conditions:
Congenital disorder of glycosylation type 1E (CDG1E). Also called: CONGENITAL DISORDER OF GLYCOSYLATION, TYPE Ie; CDG Ie. Identifiers: Orphanet 79322, MedGen C1837396, MONDO:0012123, OMIM 608799.
Inborn genetic diseases. Identifiers: MedGen C0950123, MeSH D030342.

Allele frequency attached by ClinVar (database versions not stated): TOPMed below 0.00001; gnomAD 0.00001; ExAC 0.00002.
gnomAD v4.1: 6 of 1,613,764 alleles (0.00037%); highest among the groups gnomAD compares: Admixed American, 0.005%; no homozygotes.

Submissions (2):

Ambry Genetics
Classification: Uncertain significance for Inborn genetic diseases. Last evaluated: 2025-10-07. Review status: criteria provided, single submitter. Criteria: Ambry Variant Classification Scheme 2023. Collection method: clinical testing. Allele origin: germline.

Labcorp Genetics (formerly Invitae), Labcorp
Classification: Uncertain significance for Congenital disorder of glycosylation type 1E. Last evaluated: 2023-06-29. Review status: criteria provided, single submitter. Criteria: Invitae Variant Classification Sherloc (09022015). Collection method: clinical testing. Allele origin: germline.
Comment: ClinVar contains an entry for this variant (Variation ID: 2175012). This variant has not been reported in the literature in individuals affected with DPM1-related conditions. This variant is present in population databases (rs769392251, gnomAD 0.006%). This sequence change replaces serine, which is neutral and polar, with asparagine, which is neutral and polar, at codon 21 of the DPM1 protein (p.Ser21Asn). In summary, the available evidence is currently insufficient to determine the role of this variant in disease. Therefore, it has been classified as a Variant of Uncertain Significance. An algorithm developed to predict the effect of missense changes on protein structure and function (PolyPhen-2) suggests that this variant¬†is likely to be tolerated.

NM_003859.3(DPM1):c.62G>A (p.Ser21Asn)

Genes: DPM1 (dolichyl-phosphate mannosyltransferase subunit 1, catalytic; minus strand), LOC130066166 (ATAC-STARR-seq lymphoblastoid active region 18108; plus strand). Cytogenetic location: 20q13.13.
Variant type: single nucleotide variant.
Coding change: c.62G>A on transcript NM_003859.3 (MANE Select); coding-DNA position 62, G replaced by A.
Protein change: p.Ser21Asn; replaces serine 21 with asparagine.
Molecular consequence: missense variant. On other transcripts: non-coding transcript variant (1).
Genome position (GRCh38, 1-based): chr20:50,958,462, C>T on the plus strand (G>A on the coding strand, the complement: DPM1 is on the minus strand). VCF-style: chr20-50958462-C-T. GRCh37 (hg19) VCF-style: chr20-49574999-C-T.
Other names: c.62G>A (NM_003859.1); c.62G>A, p.Ser21Asn (NM_001317034.1, NM_001317035.1, NM_001317036.1); short protein forms S21N.
Identifiers: ClinVar variation 2175012 (VCV002175012.3), dbSNP rs769392251, ClinGen allele CA9909247.